The following is an entry in ClinVar:

ClinVar aggregate classification (germline): Conflicting classifications of pathogenicity. Review status: criteria provided, conflicting classifications (1 of 4 stars). 5 submissions from 5 submitters: Uncertain significance (4); Likely benign (1). Last evaluated 2025-05-28.

Conditions:
Hereditary cancer-predisposing syndrome. Also called: Tumor predisposition; Neoplastic Syndromes, Hereditary; Hereditary Cancer Syndrome; Hereditary neoplastic syndrome. Identifiers: Orphanet 140162, MedGen C0027672, MeSH D009386, MONDO:0015356.
Hereditary diffuse gastric adenocarcinoma (HDGC). Also called: DIFFUSE GASTRIC AND LOBULAR BREAST CANCER SYNDROME. Identifiers: Orphanet 26106, MedGen C1708349, MONDO:0007648, OMIM 137215.

Allele frequency attached by ClinVar (database versions not stated): gnomAD exomes below 0.00001.
gnomAD v4.1: 1 of 1,613,760 alleles (0.000062%); highest among the groups gnomAD compares: Admixed American, 0.0017%; no homozygotes.

Submissions (5):

Quest Diagnostics Nichols Institute San Juan Capistrano
Classification: Uncertain significance. Last evaluated: 2025-05-28. Review status: criteria provided, single submitter. Criteria: Quest Diagnostics criteria. Collection method: clinical testing. Allele origin: unknown.
Comment: The CDH1 c.2227C>G (p.Pro743Ala) variant has been reported in the published literature in the somatic state in an individual with multiple myeloma (PMID: 35768438 (2022)) and in reportedly unaffected individuals (PMID: 36243179 (2022), 30287823 (2018), see also LOVD). The frequency of this variant in the general population (Genome Aggregation Database) is uninformative in the assessment of its pathogenicity. Analysis of this variant using bioinformatics tools for the prediction of the effect of amino acid changes on protein structure and function yielded predictions that this variant is benign. Based on the available information, we are unable to determine the clinical significance of this variant.

Labcorp Genetics (formerly Invitae), Labcorp
Classification: Uncertain significance for Hereditary diffuse gastric adenocarcinoma. Last evaluated: 2025-02-19. Review status: criteria provided, single submitter. Criteria: Invitae Variant Classification Sherloc (09022015). Collection method: clinical testing. Allele origin: germline.
Comment: This sequence change replaces proline, which is neutral and non-polar, with alanine, which is neutral and non-polar, at codon 743 of the CDH1 protein (p.Pro743Ala). This variant is present in population databases (no rsID available, gnomAD 0.003%). This variant has not been reported in the literature in individuals affected with CDH1-related conditions. ClinVar contains an entry for this variant (Variation ID: 231728). An algorithm developed to predict the effect of missense changes on protein structure and function outputs the following: PolyPhen-2: "Benign". The alanine amino acid residue is found in multiple mammalian species, which suggests that this missense change does not adversely affect protein function. In summary, the available evidence is currently insufficient to determine the role of this variant in disease. Therefore, it has been classified as a Variant of Uncertain Significance.

GeneDx
Classification: Uncertain significance. Last evaluated: 2024-01-26. Review status: criteria provided, single submitter. Criteria: GeneDx Variant Classification Process June 2021. Collection method: clinical testing. Allele origin: germline.
Comment: Not observed at significant frequency in large population cohorts (gnomAD); In silico analysis supports that this missense variant does not alter protein structure/function; Not observed in any male or female cases, but was observed among male controls in a breast cancer study (PMID: 30287823); This variant is associated with the following publications: (PMID: 15235021, 22850631, 36243179, 30287823)

Ambry Genetics
Classification: Likely benign for Hereditary cancer-predisposing syndrome. Last evaluated: 2023-12-21. Review status: criteria provided, single submitter. Criteria: Ambry Variant Classification Scheme 2023. Collection method: clinical testing. Allele origin: germline.

Women's Health and Genetics/Laboratory Corporation of America, LabCorp
Classification: Uncertain significance. Last evaluated: 2020-11-24. Review status: criteria provided, single submitter. Criteria: LabCorp Variant Classification Summary - May 2015. Collection method: clinical testing. Allele origin: germline.
Comment: Variant summary: CDH1 c.2227C>G (p.Pro743Ala) results in a non-conservative amino acid change located in the Cadherin cytoplasmic domain (IPR000233) of the encoded protein sequence. Four of five in-silico tools predict a benign effect of the variant on protein function. The variant allele was found at a frequency of 4e-06 in 251472 control chromosomes. The available data on variant occurrences in the general population are insufficient to allow any conclusion about variant significance. To our knowledge, no occurrence of c.2227C>G in individuals affected with Breast or hereditary diffuse gastric cancer (HDGC) Cancer and no experimental evidence demonstrating its impact on protein function have been reported. Two clinical diagnostic laboratories have submitted clinical-significance assessments for this variant to ClinVar after 2014 without evidence for independent evaluation. All laboratories classified the variant as uncertain significance. Based on the evidence outlined above, the variant was classified as uncertain significance.

Literature cited by the submitters: PubMed 30287823 (cited by 3 submitters); PubMed 35768438 (cited by Quest Diagnostics Nichols Institute San Juan Capistrano); PubMed 36243179 (cited by Quest Diagnostics Nichols Institute San Juan Capistrano).

NM_004360.5(CDH1):c.2227C>G (p.Pro743Ala)

Gene: CDH1 (cadherin 1; plus strand). Cytogenetic location: 16q22.1.
Variant type: single nucleotide variant.
Coding change: c.2227C>G on transcript NM_004360.5 (MANE Select); coding-DNA position 2227, C replaced by G.
Protein change: p.Pro743Ala; replaces proline 743 with alanine.
Molecular consequence: missense variant.
Genome position (GRCh38, 1-based): chr16:68,828,236, C>G. VCF-style: chr16-68828236-C-G. GRCh37 (hg19) VCF-style: chr16-68862139-C-G.
Other names: c.2227C>G (LRG_301t1); c.2044C>G, p.Pro682Ala (NM_001317184.2); c.679C>G, p.Pro227Ala (NM_001317185.2); c.262C>G, p.Pro88Ala (NM_001317186.2); short protein forms P743A, P682A, P227A, P88A.
Identifiers: ClinVar variation 231728 (VCV000231728.18), dbSNP rs786203005, ClinGen allele CA10580152.